The following is an entry in ClinVar:

NM_001367561.1(DOCK7):c.5080A>G (p.Met1694Val)

Gene: DOCK7 (dedicator of cytokinesis 7; minus strand). Cytogenetic location: 1p31.3.
Variant type: single nucleotide variant.
Coding change: c.5080A>G on transcript NM_001367561.1 (MANE Select); coding-DNA position 5080, A replaced by G.
Protein change: p.Met1694Val; replaces methionine 1694 with valine.
Molecular consequence: missense variant.
Genome position (GRCh38, 1-based): chr1:62,494,412, T>C on the plus strand (A>G on the coding strand, the complement: DOCK7 is on the minus strand). VCF-style: chr1-62494412-T-C. GRCh37 (hg19) VCF-style: chr1-62960083-T-C.
Other names: p.Met1685Val; c.5053A>G, p.Met1685Val (NM_001271999.2, NM_001330614.2); c.4960A>G, p.Met1654Val (NM_001272000.2, NM_001272001.2); c.4987A>G, p.Met1663Val (NM_033407.4); c.4987A>G (NM_033407.3); short protein forms M1663V, M1685V, M1654V, M1694V.
Identifiers: ClinVar variation 575216 (VCV000575216.9), dbSNP rs142608509, ClinGen allele CA885547.
Genomic context (GRCh38, chr1:62,494,412, plus strand): 5'-AGTGGACTAGACACTGTGCAGCTTCAGCATGATTGCTTCGTTCTGAGTGCTTGCCTGCCA[T>C]GTTCTGCAACCAGGTCAATCGCAGATCTGGAGAGGTCTGGTAACCCTTGGCAATTCTAAT-3'
Protein context (NP_001354490.1, residues 1684-1704): PDLRLTWLQN[Met1694Val]AGKHSERSNH

ClinVar aggregate classification (germline): Uncertain significance. Review status: criteria provided, multiple submitters, no conflicts (2 of 4 stars). 3 submissions from 3 submitters: Uncertain significance (3). Last evaluated 2023-07-13.

Conditions:
Developmental and epileptic encephalopathy, 23 (DEE23). Also called: Epileptic encephalopathy, early infantile, 23. Identifiers: Orphanet 411986, MedGen C4014492, MONDO:0014371, OMIM 615859.

Allele frequency attached by ClinVar (database versions not stated): gnomAD exomes 0.00004 and 0.00010; gnomAD 0.00005; TOPMed 0.00005; ExAC 0.00006; ESP Exome Variant Server 0.00015.

Submissions (3):

Athena Diagnostics
Classification: Uncertain significance. Last evaluated: 2023-07-13. Review status: criteria provided, single submitter. Criteria: Athena Diagnostics Criteria. Collection method: clinical testing. Allele origin: unknown.
Comment: Available data are insufficient to determine the clinical significance of the variant at this time. The frequency of this variant in the general population is uninformative in assessment of its pathogenicity. Computational tools predict that this variant is damaging.

Mayo Clinic Laboratories, Mayo Clinic
Classification: Uncertain significance. Last evaluated: 2022-12-22. Review status: criteria provided, single submitter. Criteria: ACMG Guidelines, 2015. Collection method: clinical testing. Allele origin: germline. Observed: 1 variant allele.
Comment: PP2, PM2

Labcorp Genetics (formerly Invitae), Labcorp
Classification: Uncertain significance for Developmental and epileptic encephalopathy, 23. Last evaluated: 2021-09-03. Review status: criteria provided, single submitter. Criteria: Invitae Variant Classification Sherloc (09022015). Collection method: clinical testing. Allele origin: germline.
Comment: This sequence change replaces methionine with valine at codon 1685 of the DOCK7 protein (p.Met1685Val). The methionine residue is highly conserved and there is a small physicochemical difference between methionine and valine. This variant is present in population databases (rs142608509, ExAC 0.01%). This variant has not been reported in the literature in individuals affected with DOCK7-related conditions. Algorithms developed to predict the effect of missense changes on protein structure and function are either unavailable or do not agree on the potential impact of this missense change (SIFT: "Deleterious"; PolyPhen-2: "Probably Damaging"; Align-GVGD: "Class C15"). In summary, the available evidence is currently insufficient to determine the role of this variant in disease. Therefore, it has been classified as a Variant of Uncertain Significance.